The following is an entry in ClinVar:

ClinVar aggregate classification (germline): Uncertain significance. Review status: criteria provided, multiple submitters, no conflicts (2 of 4 stars). 2 submissions from 2 submitters: Uncertain significance (2). Last evaluated 2026-09-09.

Conditions:
Hereditary factor VIII deficiency disease (HEMA). Also called: HEMOPHILIA, CLASSIC; AUTOSOMAL HEMOPHILIA A; Hemophilia A, congenital; HEM A; Factor 8 deficiency, congenital; Hemophilia A. Identifiers: Orphanet 98878, MedGen C0019069, MONDO:0010602, OMIM 306700.

Submissions (2):

Myriad Genetics, Inc.
Classification: Uncertain significance for Hereditary factor VIII deficiency disease. Last evaluated: 2026-09-09. Review status: criteria provided, single submitter. Criteria: Myriad Autosomal Dominant, Autosomal Recessive and X-Linked Classification Criteria (2023). Collection method: clinical testing. Allele origin: unknown.
Comment: NM_000132.3(F8):c.6452C>T(S2151L) is a missense variant classified as a variant of uncertain significance in the context of hemophilia A. S2151L has been observed in a case with relevant disease (PMID: 23711294). Relevant functional assessments of this variant are not available in the literature. S2151L has not been observed in referenced population frequency databases. In summary, there is insufficient evidence to classify NM_000132.3(F8):c.6452C>T(S2151L) as pathogenic or benign. Please note: this variant was assessed in the context of healthy population screening.

Women's Health and Genetics/Laboratory Corporation of America, LabCorp
Classification: Uncertain significance. Last evaluated: 2024-08-06. Review status: criteria provided, single submitter. Criteria: LabCorp Variant Classification Summary - May 2015. Collection method: clinical testing. Allele origin: germline.
Comment: Variant summary: F8 c.6452C>T (p.Ser2151Leu) results in a non-conservative amino acid change in the encoded protein sequence. Three of five in-silico tools predict a damaging effect of the variant on protein function. The variant was absent in 183332 control chromosomes. The available data on variant occurrences in the general population are insufficient to allow any conclusion about variant significance. c.6452C>T has been reported in the literature in individuals affected with mild Factor VIII Deficiency (Hemophilia A) without reported genotype (e.g. Nance_2013). This report does not provide unequivocal conclusions about association of the variant with Factor VIII Deficiency (Hemophilia A). To our knowledge, no experimental evidence demonstrating an impact on protein function has been reported. The following publication has been ascertained in the context of this evaluation (PMID: 23711294). No submitters have cited clinical-significance assessments for this variant to ClinVar. Based on the evidence outlined above, the variant was classified as uncertain significance.

Literature cited by the submitters: PubMed 23711294 (cited by Myriad Genetics, Inc. and Women's Health and Genetics/Laboratory Corporation of America, LabCorp).

NM_000132.4(F8):c.6452C>T (p.Ser2151Leu)

Gene: F8 (coagulation factor VIII; minus strand). Cytogenetic location: Xq28.
Variant type: single nucleotide variant.
Coding change: c.6452C>T on transcript NM_000132.4 (MANE Select); coding-DNA position 6452, C replaced by T.
Protein change: p.Ser2151Leu; replaces serine 2151 with leucine.
Molecular consequence: missense variant.
Genome position (GRCh38, 1-based): chrX:154,863,205, G>A on the plus strand (C>T on the coding strand, the complement: F8 is on the minus strand). VCF-style: chrX-154863205-G-A. GRCh37 (hg19) VCF-style: chrX-154091480-G-A.
Other names: c.47C>T, p.Ser16Leu (NM_019863.3); short protein forms S16L, S2151L.
Identifiers: ClinVar variation 3366469 (VCV003366469.2).